The following is an entry in ClinVar:

ClinVar aggregate classification (germline): Likely benign. Review status: criteria provided, multiple submitters, no conflicts (2 of 4 stars). 3 submissions from 3 submitters: Likely benign (3). Last evaluated 2026-06-01.

Allele frequency attached by ClinVar (database versions not stated): gnomAD exomes 0.00009 and 0.00015; gnomAD 0.00011; TOPMed 0.00011; ExAC 0.00014; ESP Exome Variant Server 0.00023.
gnomAD v4.1: 148 of 1,613,642 alleles (0.0092%); highest among the groups gnomAD compares: South Asian, 0.037%; no homozygotes.

Submissions (3):

CeGaT Center for Human Genetics Tuebingen
Classification: Likely benign. Last evaluated: 2026-06-01. Review status: criteria provided, single submitter. Criteria: CeGaT Center For Human Genetics Tuebingen Variant Classification Criteria Version 2. Collection method: clinical testing. Allele origin: germline. Affected: yes. Observed: 4 variant alleles.
Comment: CLTC: BP4, BP7

Labcorp Genetics (formerly Invitae), Labcorp
Classification: Likely benign. Last evaluated: 2025-05-11. Review status: criteria provided, single submitter. Criteria: Invitae Variant Classification Sherloc (09022015). Collection method: clinical testing. Allele origin: germline.

Blueprint Genetics
Classification: Likely benign. Last evaluated: 2024-11-22. Review status: criteria provided, single submitter. Criteria: ACMG Guidelines, 2015. Collection method: clinical testing. Allele origin: germline.

NM_004859.4(CLTC):c.4944C>T (p.Ala1648=)

Gene: CLTC (clathrin heavy chain; plus strand). Cytogenetic location: 17q23.1.
Variant type: single nucleotide variant.
Coding change: c.4944C>T on transcript NM_004859.4 (MANE Select); coding-DNA position 4944, C replaced by T.
Protein change: p.Ala1648=; no amino-acid change (alanine 1648 retained).
Molecular consequence: synonymous variant.
Genome position (GRCh38, 1-based): chr17:59,693,768, C>T. VCF-style: chr17-59693768-C-T. GRCh37 (hg19) VCF-style: chr17-57771129-C-T.
Other names: c.4956C>T, p.Ala1652= (NM_001288653.2).
Identifiers: ClinVar variation 1570494 (VCV001570494.33), dbSNP rs148633723, ClinGen allele CA8681845.